The following is an entry in ClinVar:

ClinVar aggregate classification (germline): Uncertain significance (1 of 4 stars; one submission).

Submission:

Labcorp Genetics (formerly Invitae), Labcorp
Classification: Uncertain significance. Last evaluated: 2025-03-01. Review status: criteria provided, single submitter. Criteria: Invitae Variant Classification Sherloc (09022015). Collection method: clinical testing. Allele origin: germline.
Comment: This sequence change falls in intron 11 of the PRMT7 gene. It does not directly change the encoded amino acid sequence of the PRMT7 protein. It affects a nucleotide within the consensus splice site. This variant is not present in population databases (gnomAD no frequency). This variant has not been reported in the literature in individuals affected with PRMT7-related conditions. Variants that disrupt the consensus splice site are a relatively common cause of aberrant splicing (PMID: 17576681, 9536098). Algorithms developed to predict the effect of sequence changes on RNA splicing suggest that this variant may disrupt the consensus splice site. In summary, the available evidence is currently insufficient to determine the role of this variant in disease. Therefore, it has been classified as a Variant of Uncertain Significance.

Literature cited by the submitters: PubMed 17576681; PubMed 9536098.

NM_019023.5(PRMT7):c.1191+4del

Gene: PRMT7 (protein arginine methyltransferase 7; plus strand). Cytogenetic location: 16q22.1.
Variant type: Deletion.
Coding change: c.1191+4del on transcript NM_019023.5 (MANE Select); 4 bases into the intron after coding-DNA position 1191, one base deleted (A; older notation c.1191+4delA).
Molecular consequence: intron variant.
Genome position (GRCh38, 1-based): chr16:68,346,284, A deleted; the last of 2 consecutive A bases (chr16:68,346,283-68,346,284); deleting either gives the same sequence. VCF-style (leftmost placement, unchanged base first): chr16-68346282-TA-T. GRCh37 (hg19) VCF-style: chr16-68380185-TA-T.
Other names: c.954+4del (NM_001378022.1, NM_001378021.1, NM_001378023.1); c.1191+4del (NM_001351143.3, NM_001351144.3, NM_001378018.1 and 1 more transcripts); c.1041+4del (NM_001184824.4); c.984+4del (NM_001378020.1).
Identifiers: ClinVar variation 4692090 (VCV004692090.1).